The following is an entry in ClinVar:

ClinVar aggregate classification (germline): Uncertain significance (1 of 4 stars; one submission).

Conditions:
Congenital myopathy with internal nuclei and atypical cores. Also called: Myopathy, centronuclear, 4. Identifiers: Orphanet 319160, MedGen C4707232, MONDO:0013890, OMIM 614807.

Allele frequency attached by ClinVar (database versions not stated): gnomAD exomes below 0.00001; TOPMed 0.00002; gnomAD 0.00003.

Submission:

Labcorp Genetics (formerly Invitae), Labcorp
Classification: Uncertain significance for Congenital myopathy with internal nuclei and atypical cores. Last evaluated: 2025-08-18. Review status: criteria provided, single submitter. Criteria: Invitae Variant Classification Sherloc (09022015). Collection method: clinical testing. Allele origin: germline.
Comment: This sequence change creates a premature translational stop signal (p.Trp415*) in the CCDC78 gene. It is expected to result in an absent or disrupted protein product. However, the current clinical and genetic evidence is not sufficient to establish whether loss-of-function variants in CCDC78 cause disease. This variant is not present in population databases (gnomAD no frequency). This variant has not been reported in the literature in individuals affected with CCDC78-related conditions. ClinVar contains an entry for this variant (Variation ID: 569162). In summary, the available evidence is currently insufficient to determine the role of this variant in disease. Therefore, it has been classified as a Variant of Uncertain Significance.

NM_001378030.1(CCDC78):c.1248G>A (p.Met416Ile)

Gene: CCDC78 (coiled-coil domain containing 78; minus strand). Cytogenetic location: 16p13.3.
Variant type: single nucleotide variant.
Coding change: c.1248G>A on transcript NM_001378030.1 (MANE Select); coding-DNA position 1248, G replaced by A.
Protein change: p.Met416Ile; replaces methionine 416 with isoleucine.
Molecular consequence: missense variant. On other transcripts: nonsense (1), non-coding transcript variant (5).
Genome position (GRCh38, 1-based): chr16:722,975, C>T on the plus strand (G>A on the coding strand, the complement: CCDC78 is on the minus strand). VCF-style: chr16-722975-C-T. GRCh37 (hg19) VCF-style: chr16-772975-C-T.
Other names: c.1244G>A, p.Trp415Ter (NM_001031737.3); c.1068G>A, p.Met356Ile (NM_001378031.1); c.681G>A, p.Met227Ile (NM_001378033.1); short protein forms W415*, M227I, M356I, M416I.
Identifiers: ClinVar variation 569162 (VCV000569162.8), dbSNP rs1045075829, ClinGen allele CA276518517.
Genomic context (GRCh38, chr16:722,975, plus strand): 5'-TGCCCACCTGCCCAGGTGCTGGTCCACGTACTCCTGTAGCTCAGAAAGTTGCTCTTCAGC[C>T]ATCGTGGCCCGGACCAGCAGCTGTGCCCGCTCCCGTTCCAGCTCTGCCTGGCATGGGGAT-3'
Protein context (NP_001364959.1, residues 406-426): ERAQLLVRAT[Met416Ile]AEEQLSELQE